The following is an entry in ClinVar:

ClinVar aggregate classification (germline): Uncertain significance. Review status: criteria provided, multiple submitters, no conflicts (2 of 4 stars). 2 submissions from 2 submitters: Uncertain significance (2). Last evaluated 2023-10-23.

Conditions:
Fanconi anemia complementation group J. Also called: BRIP1-Related Fanconi Anemia. Identifiers: Orphanet 84, MedGen C1836860, MONDO:0012187, OMIM 609054.
Familial cancer of breast. Also called: BREAST CANCER, FAMILIAL; Hereditary breast cancer; hereditary breast carcinoma. Identifiers: Orphanet 227535, MedGen C0346153, MONDO:0016419, OMIM 114480. Disease mechanism: loss of function.

Submissions (2):

GeneDx
Classification: Uncertain significance. Last evaluated: 2023-10-23. Review status: criteria provided, single submitter. Criteria: GeneDx Variant Classification Process June 2021. Collection method: clinical testing. Allele origin: germline. Affected: yes.
Comment: Not observed at significant frequency in large population cohorts (gnomAD); In silico analysis supports that this missense variant does not alter protein structure/function; Has not been previously published as pathogenic or benign to our knowledge; This variant is associated with the following publications: (PMID: 11301010)

Labcorp Genetics (formerly Invitae), Labcorp
Classification: Uncertain significance for Familial cancer of breast; Fanconi anemia complementation group J. Last evaluated: 2023-04-14. Review status: criteria provided, single submitter. Criteria: Invitae Variant Classification Sherloc (09022015). Collection method: clinical testing. Allele origin: germline.
Comment: In summary, the available evidence is currently insufficient to determine the role of this variant in disease. Therefore, it has been classified as a Variant of Uncertain Significance. An algorithm developed to predict the effect of missense changes on protein structure and function (PolyPhen-2) suggests that this variant is likely to be disruptive. This variant has not been reported in the literature in individuals affected with BRIP1-related conditions. This variant is not present in population databases (gnomAD no frequency). This sequence change replaces phenylalanine, which is neutral and non-polar, with tyrosine, which is neutral and polar, at codon 993 of the BRIP1 protein (p.Phe993Tyr).

NM_032043.3(BRIP1):c.2978T>A (p.Phe993Tyr)

Gene: BRIP1 (BRCA1 interacting DNA helicase 1; minus strand). Cytogenetic location: 17q23.2.
Variant type: single nucleotide variant.
Coding change: c.2978T>A on transcript NM_032043.3 (MANE Select); coding-DNA position 2978, T replaced by A.
Protein change: p.Phe993Tyr; replaces phenylalanine 993 with tyrosine.
Molecular consequence: missense variant.
Genome position (GRCh38, 1-based): chr17:61,684,068, A>T on the plus strand (T>A on the coding strand, the complement: BRIP1 is on the minus strand). VCF-style: chr17-61684068-A-T. GRCh37 (hg19) VCF-style: chr17-59761429-A-T.
Other names: short protein forms F993Y.
Identifiers: ClinVar variation 2946698 (VCV002946698.4), dbSNP rs2144092496, ClinGen allele CA400480622.